The following is an entry in ClinVar:

ClinVar aggregate classification (germline): Pathogenic (1 of 4 stars; one submission).

Conditions:
Hereditary cancer-predisposing syndrome. Also called: Hereditary Cancer Syndrome; Neoplastic Syndromes, Hereditary; Tumor predisposition; Hereditary neoplastic syndrome. Identifiers: Orphanet 140162, MedGen C0027672, MeSH D009386, MONDO:0015356.

Submission:

Ambry Genetics
Classification: Pathogenic for Hereditary cancer-predisposing syndrome. Last evaluated: 2025-12-05. Review status: criteria provided, single submitter. Criteria: Ambry Variant Classification Scheme 2023. Collection method: clinical testing. Allele origin: germline.
Comment: The c.7927dupA pathogenic mutation, located in coding exon 52 of the ATM gene, results from a duplication of A at nucleotide position 7927, causing a translational frameshift with a predicted alternate stop codon (p.G2644Rfs*12). This variant is considered to be rare based on population cohorts in the Genome Aggregation Database (gnomAD). This alteration is expected to result in loss of function by premature protein truncation or nonsense-mediated mRNA decay. As such, this alteration is interpreted as a disease-causing mutation.

NM_000051.4(ATM):c.7927dup (p.Gly2644fs)

Genes: ATM (ATM serine/threonine kinase; plus strand), C11orf65 (chromosome 11 open reading frame 65; minus strand). Cytogenetic location: 11q22.3.
Variant type: Duplication.
Coding change: c.7927dup on transcript NM_000051.4 (MANE Select); coding-DNA position 7927, one base duplicated (A; older notation c.7927dupA).
Protein change: p.Gly2644fs; shifts the reading frame from glycine 2644.
Molecular consequence: frameshift variant. On other transcripts: intron variant (2).
Genome position (GRCh38, 1-based): chr11:108,332,900, A duplicated; the last of 2 consecutive A bases (chr11:108,332,899-108,332,900); duplicating either gives the same sequence. VCF-style (leftmost placement, unchanged base first): chr11-108332898-G-GA. GRCh37 (hg19) VCF-style: chr11-108203625-G-GA.
Other names: c.7927dupA (NM_000051.3); c.7927dup, p.Gly2644fs (NM_001351834.2); c.641-23828dup (NM_001330368.2); c.*38+2321dup (NM_001351110.2); short protein forms G2644fs.
Identifiers: ClinVar variation 4618588 (VCV004618588.1).